The following is an entry in ClinVar:

ClinVar aggregate classification (germline): Uncertain significance. Review status: criteria provided, multiple submitters, no conflicts (2 of 4 stars). 2 submissions from 2 submitters: Uncertain significance (2). Last evaluated 2025-08-08.

Conditions:
Inborn genetic diseases. Identifiers: MedGen C0950123, MeSH D030342.

Allele frequency attached by ClinVar (database versions not stated): gnomAD exomes 0.00001 and 0.00002.
gnomAD v4.1: 3 of 1,551,878 alleles (0.00019%); highest among the groups gnomAD compares: Admixed American, 0.0039%; no homozygotes.

Submissions (2):

Ambry Genetics
Classification: Uncertain significance for Inborn genetic diseases. Last evaluated: 2025-08-08. Review status: criteria provided, single submitter. Criteria: Ambry Variant Classification Scheme 2023. Collection method: clinical testing. Allele origin: germline.

Labcorp Genetics (formerly Invitae), Labcorp
Classification: Uncertain significance. Last evaluated: 2022-03-18. Review status: criteria provided, single submitter. Criteria: Invitae Variant Classification Sherloc (09022015). Collection method: clinical testing. Allele origin: germline.
Comment: In summary, the available evidence is currently insufficient to determine the role of this variant in disease. Therefore, it has been classified as a Variant of Uncertain Significance. Algorithms developed to predict the effect of missense changes on protein structure and function are either unavailable or do not agree on the potential impact of this missense change (SIFT: "Not Available"; PolyPhen-2: "Probably Damaging"; Align-GVGD: "Not Available"). This variant has not been reported in the literature in individuals affected with UNC80-related conditions. This variant is present in population databases (no rsID available, gnomAD 0.008%). This sequence change replaces leucine, which is neutral and non-polar, with phenylalanine, which is neutral and non-polar, at codon 2123 of the UNC80 protein (p.Leu2123Phe).

NM_001371986.1(UNC80):c.6565C>T (p.Leu2189Phe)

Gene: UNC80 (unc-80 subunit of NALCN channel complex; plus strand). Cytogenetic location: 2q34.
Variant type: single nucleotide variant.
Coding change: c.6565C>T on transcript NM_001371986.1 (MANE Select); coding-DNA position 6565, C replaced by T.
Protein change: p.Leu2189Phe; replaces leucine 2189 with phenylalanine.
Molecular consequence: missense variant.
Genome position (GRCh38, 1-based): chr2:209,939,571, C>T. VCF-style: chr2-209939571-C-T. GRCh37 (hg19) VCF-style: chr2-210804295-C-T.
Other names: c.6367C>T, p.Leu2123Phe (NM_032504.2); c.6352C>T, p.Leu2118Phe (NM_182587.4); c.6367C>T (NM_032504.1); short protein forms L2189F, L2123F, L2118F.
Identifiers: ClinVar variation 1506940 (VCV001506940.7), dbSNP rs1388695531, ClinGen allele CA350772049.